The following is an entry in ClinVar:

NM_001364905.1(LRBA):c.4049A>G (p.Asn1350Ser)

Gene: LRBA (LPS responsive beige-like anchor protein; minus strand). Cytogenetic location: 4q31.3.
Variant type: single nucleotide variant.
Coding change: c.4049A>G on transcript NM_001364905.1 (MANE Select); coding-DNA position 4049, A replaced by G.
Protein change: p.Asn1350Ser; replaces asparagine 1350 with serine.
Molecular consequence: missense variant.
Genome position (GRCh38, 1-based): chr4:150,849,531, T>C on the plus strand (A>G on the coding strand, the complement: LRBA is on the minus strand). VCF-style: chr4-150849531-T-C. GRCh37 (hg19) VCF-style: chr4-151770683-T-C.
Other names: c.4049A>G, p.Asn1350Ser (NM_001199282.3, NM_001367550.1, NM_006726.5); short protein forms N1350S.
Identifiers: ClinVar variation 1475429 (VCV001475429.8), dbSNP rs756066153, ClinGen allele CA3102908.
Genomic context (GRCh38, chr4:150,849,531, plus strand): 5'-ATGACCATATTGTCCATCACTTGAGAGATGAGATGAATTGTGTTGTGTACAAAGATGACA[T>C]TATCACTGCTATTCACGAAGTCCATAACTGTCTTTGTTGAATGGCTGTCCAAAGATAAAT-3'
Protein context (NP_001351834.1, residues 1340-1360): TVMDFVNSSD[Asn1350Ser]VIFVHNTIHL

ClinVar aggregate classification (germline): Uncertain significance (1 of 4 stars; one submission).

Conditions:
Combined immunodeficiency due to LRBA deficiency. Also called: Common variable immunodeficiency 8, with autoimmunity. Identifiers: Orphanet 445018, MedGen C3553512, MONDO:0013863, OMIM 614700.

Allele frequency attached by ClinVar (database versions not stated): ExAC 0.00001; gnomAD exomes 0.00001.
gnomAD v4.1: 11 of 1,613,290 alleles (0.00068%); highest among the groups gnomAD compares: South Asian, 0.0088%; no homozygotes.

Submission:

Labcorp Genetics (formerly Invitae), Labcorp
Classification: Uncertain significance for Combined immunodeficiency due to LRBA deficiency. Last evaluated: 2021-03-24. Review status: criteria provided, single submitter. Criteria: Invitae Variant Classification Sherloc (09022015). Collection method: clinical testing. Allele origin: germline.
Comment: In summary, the available evidence is currently insufficient to determine the role of this variant in disease. Therefore, it has been classified as a Variant of Uncertain Significance. Algorithms developed to predict the effect of missense changes on protein structure and function are either unavailable or do not agree on the potential impact of this missense change (SIFT: "Tolerated"; PolyPhen-2: "Probably Damaging"; Align-GVGD: "Class C0"). This variant has not been reported in the literature in individuals with LRBA-related conditions. This variant is present in population databases (rs756066153, ExAC 0.006%). This sequence change replaces asparagine with serine at codon 1350 of the LRBA protein (p.Asn1350Ser). The asparagine residue is moderately conserved and there is a small physicochemical difference between asparagine and serine.